The following is an entry in ClinVar:

ClinVar aggregate classification (germline): Conflicting classifications of pathogenicity. Review status: criteria provided, conflicting classifications (1 of 4 stars). 5 submissions from 5 submitters: Uncertain significance (1); Benign (1); Likely benign (2). 1 of the submissions does not count toward it. Last evaluated 2026-02-02.

Conditions:
Sucrase-isomaltase deficiency (CSID). Also called: Congenital sucrose isomaltose malabsorption; Sucrose isomaltose enzyme deficiency; Deficiency of isomaltase; SI DEFICIENCY. Identifiers: Orphanet 35122, MedGen C1283620, MONDO:0009114, OMIM 222900.
SI-related disorder. Also called: SI-related condition.

Allele frequency attached by ClinVar (database versions not stated): gnomAD exomes 0.00010 and 0.00031; ExAC 0.00034; 1000 Genomes Project 0.00080; gnomAD 0.00110 and 0.00116; ESP Exome Variant Server 0.00115; 1000 Genomes Project 30x 0.00125; TOPMed 0.00135.
gnomAD v4.1: 322 of 1,612,830 alleles (0.02%); highest among the groups gnomAD compares: African/African-American, 0.37%; no homozygotes.

Submissions (5):

Labcorp Genetics (formerly Invitae), Labcorp
Classification: Benign. Last evaluated: 2026-02-02. Review status: criteria provided, single submitter. Criteria: Invitae Variant Classification Sherloc (09022015). Collection method: clinical testing. Allele origin: germline.

Blueprint Genetics
Classification: Likely benign. Last evaluated: 2024-07-05. Review status: criteria provided, single submitter. Criteria: ACMG Guidelines, 2015. Collection method: clinical testing. Allele origin: germline.

Fulgent Genetics
Classification: Likely benign for Sucrase-isomaltase deficiency. Last evaluated: 2021-10-19. Review status: criteria provided, single submitter. Criteria: ACMG Guidelines, 2015. Collection method: clinical testing. Allele origin: unknown.

Revvity Omics, Revvity
Classification: Uncertain significance for Sucrase-isomaltase deficiency. Last evaluated: 2019-11-27. Review status: criteria provided, single submitter. Criteria: ACMG Guidelines, 2015. Collection method: clinical testing. Allele origin: germline.

PreventionGenetics, part of Exact Sciences
Classification: Likely benign for SI-related condition. Last evaluated: 2023-09-19. Review status: no assertion criteria provided. Collection method: clinical testing. Allele origin: germline. Not counted in ClinVar's aggregate classification.
Comment: This variant is classified as likely benign based on ACMG/AMP sequence variant interpretation guidelines (Richards et al. 2015 PMID: 25741868, with internal and published modifications).

NM_001041.4(SI):c.3972A>G (p.Pro1324=)

Gene: SI (sucrase-isomaltase; minus strand). Cytogenetic location: 3q26.1.
Variant type: single nucleotide variant.
Coding change: c.3972A>G on transcript NM_001041.4 (MANE Select); coding-DNA position 3972, A replaced by G.
Protein change: p.Pro1324=; no amino-acid change (proline 1324 retained).
Molecular consequence: synonymous variant.
Genome position (GRCh38, 1-based): chr3:165,015,150, T>C on the plus strand (A>G on the coding strand, the complement: SI is on the minus strand). VCF-style: chr3-165015150-T-C. GRCh37 (hg19) VCF-style: chr3-164732938-T-C.
Other names: c.3972A>G (NM_001041.3).
Identifiers: ClinVar variation 1606199 (VCV001606199.15), dbSNP rs142838806, ClinGen allele CA2690085.